The following is an entry in ClinVar:

NM_001458.5(FLNC):c.1007A>G (p.Tyr336Cys)

Gene: FLNC (filamin C; plus strand). Cytogenetic location: 7q32.1.
Variant type: single nucleotide variant.
Coding change: c.1007A>G on transcript NM_001458.5 (MANE Select); coding-DNA position 1007, A replaced by G.
Protein change: p.Tyr336Cys; replaces tyrosine 336 with cysteine.
Molecular consequence: missense variant.
Genome position (GRCh38, 1-based): chr7:128,838,024, A>G. VCF-style: chr7-128838024-A-G. GRCh37 (hg19) VCF-style: chr7-128478078-A-G.
Other names: c.1007A>G, p.Tyr336Cys (NM_001127487.2); short protein forms Y336C.
Identifiers: ClinVar variation 970997 (VCV000970997.11), dbSNP rs748723761, ClinGen allele CA4474195.

ClinVar aggregate classification (germline): Uncertain significance. Review status: criteria provided, multiple submitters, no conflicts (2 of 4 stars). 3 submissions from 3 submitters: Uncertain significance (3). Last evaluated 2025-04-14.

Conditions:
Hypertrophic cardiomyopathy 26. Also called: Cardiomyopathy, familial hypertrophic, 26. Identifiers: Orphanet 75249, MedGen C4310749, MONDO:0014883, OMIM 617047.
Distal myopathy with posterior leg and anterior hand involvement. Also called: WILLIAMS DISTAL MYOPATHY. Identifiers: Orphanet 63273, MedGen C3279722, MONDO:0013550, OMIM 614065.
Myofibrillar myopathy 5. Also called: Filaminopathy (type); FILAMINOPATHY, AUTOSOMAL DOMINANT. Identifiers: Orphanet 171445, MedGen C1836050, MONDO:0012289, OMIM 609524.
FLNC-related disorder. Also called: FLNC-related disorders; FLNC-related condition.
Cardiovascular phenotype. Identifiers: MedGen CN230736.

Allele frequency attached by ClinVar (database versions not stated): TOPMed below 0.00001; ExAC 0.00002; gnomAD 0.00001 and below 0.00001; gnomAD exomes 0.00001.
gnomAD v4.1: 13 of 1,613,962 alleles (0.00081%); highest among the groups gnomAD compares: South Asian, 0.0099%; no homozygotes.

Submissions (3):

Labcorp Genetics (formerly Invitae), Labcorp
Classification: Uncertain significance for Distal myopathy with posterior leg and anterior hand involvement; Myofibrillar myopathy 5; Hypertrophic cardiomyopathy 26. Last evaluated: 2025-04-14. Review status: criteria provided, single submitter. Criteria: Invitae Variant Classification Sherloc (09022015). Collection method: clinical testing. Allele origin: germline.
Comment: This sequence change replaces tyrosine, which is neutral and polar, with cysteine, which is neutral and slightly polar, at codon 336 of the FLNC protein (p.Tyr336Cys). This variant is present in population databases (rs748723761, gnomAD 0.006%). This missense change has been observed in individual(s) with clinical features of FLNC-related conditions (internal data). ClinVar contains an entry for this variant (Variation ID: 970997). Invitae Evidence Modeling of protein sequence and biophysical properties (such as structural, functional, and spatial information, amino acid conservation, physicochemical variation, residue mobility, and thermodynamic stability) has been performed for this missense variant. However, the output from this modeling did not meet the statistical confidence thresholds required to predict the impact of this variant on FLNC protein function. In summary, the available evidence is currently insufficient to determine the role of this variant in disease. Therefore, it has been classified as a Variant of Uncertain Significance.

Ambry Genetics
Classification: Uncertain significance for Cardiovascular phenotype. Last evaluated: 2024-03-18. Review status: criteria provided, single submitter. Criteria: Ambry Variant Classification Scheme 2023. Collection method: clinical testing. Allele origin: germline.

PreventionGenetics, part of Exact Sciences
Classification: Uncertain significance for FLNC-related condition. Last evaluated: 2023-01-24. Review status: criteria provided, single submitter. Criteria: ACMG Guidelines, 2015. Collection method: clinical testing. Allele origin: germline.
Comment: The FLNC c.1007A>G variant is predicted to result in the amino acid substitution p.Tyr336Cys. To our knowledge, this variant has not been reported in the literature. This variant is reported in 0.0058% of alleles in individuals of Latino descent in gnomAD. At this time, the clinical significance of this variant is uncertain due to the absence of conclusive functional and genetic evidence.